The following is an entry in ClinVar:

NM_175053.4(KRT74):c.1134G>A (p.Gln378=)

Gene: KRT74 (keratin 74; minus strand). Cytogenetic location: 12q13.13.
Variant type: single nucleotide variant.
Coding change: c.1134G>A on transcript NM_175053.4 (MANE Select); coding-DNA position 1134, G replaced by A.
Protein change: p.Gln378=; no amino-acid change (glutamine 378 retained).
Molecular consequence: synonymous variant.
Genome position (GRCh38, 1-based): chr12:52,569,859, C>T on the plus strand (G>A on the coding strand, the complement: KRT74 is on the minus strand). VCF-style: chr12-52569859-C-T. GRCh37 (hg19) VCF-style: chr12-52963643-C-T.
Identifiers: ClinVar variation 2082082 (VCV002082082.4), dbSNP rs201452345, ClinGen allele CA6583787.

ClinVar aggregate classification (germline): Uncertain significance (1 of 4 stars; one submission).

Allele frequency attached by ClinVar (database versions not stated): ExAC 0.00006; gnomAD 0.00008; gnomAD exomes 0.00009; TOPMed 0.00011; ESP Exome Variant Server 0.00015.

Submission:

Labcorp Genetics (formerly Invitae), Labcorp
Classification: Uncertain significance. Last evaluated: 2025-12-27. Review status: criteria provided, single submitter. Criteria: Invitae Variant Classification Sherloc (09022015). Collection method: clinical testing. Allele origin: germline.
Comment: This sequence change affects codon 378 of the KRT74 mRNA. It is a 'silent' change, meaning that it does not change the encoded amino acid sequence of the KRT74 protein. This variant also falls at the last nucleotide of exon 6, which is part of the consensus splice site for this exon. This variant is present in population databases (rs201452345, gnomAD 0.05%), and has an allele count higher than expected for a pathogenic variant. This variant has not been reported in the literature in individuals affected with KRT74-related conditions. ClinVar contains an entry for this variant (Variation ID: 2082082). Variants that disrupt the consensus splice site are a relatively common cause of aberrant splicing (PMID: 17576681, 9536098). Algorithms developed to predict the effect of sequence changes on RNA splicing suggest that this variant may disrupt the consensus splice site. In summary, the available evidence is currently insufficient to determine the role of this variant in disease. Therefore, it has been classified as a Variant of Uncertain Significance.

Literature cited by the submitters: PubMed 17576681; PubMed 9536098.